The following is an entry in ClinVar:

ClinVar aggregate classification (germline): Uncertain significance (1 of 4 stars; one submission).

Conditions:
Atrial fibrillation, familial, 11 (ATFB11). Identifiers: MedGen C3279693, MONDO:0013544, OMIM 614049.
Atrial standstill 1 (ATRST1). Also called: Atrial standstill, digenic (GJA5/SCN5A); ATRIAL CARDIOMYOPATHY WITH HEART BLOCK; CARDIOMYOPATHY, FAMILIAL, WITH CONDUCTION DISTURBANCE. Identifiers: Orphanet 1344, MedGen C4551959, MONDO:0007171, OMIM 108770.

Allele frequency attached by ClinVar (database versions not stated): gnomAD exomes below 0.00001; ExAC 0.00001.

Submission:

Labcorp Genetics (formerly Invitae), Labcorp
Classification: Uncertain significance for Atrial fibrillation, familial, 11; Atrial standstill 1. Last evaluated: 2023-03-30. Review status: criteria provided, single submitter. Criteria: Invitae Variant Classification Sherloc (09022015). Collection method: clinical testing. Allele origin: germline.
Comment: This sequence change replaces glycine, which is neutral and non-polar, with arginine, which is basic and polar, at codon 139 of the GJA5 protein (p.Gly139Arg). This variant is present in population databases (rs782082372, gnomAD 0.0009%). This variant has not been reported in the literature in individuals affected with GJA5-related conditions. ClinVar contains an entry for this variant (Variation ID: 2052790). Advanced modeling of protein sequence and biophysical properties (such as structural, functional, and spatial information, amino acid conservation, physicochemical variation, residue mobility, and thermodynamic stability) performed at Invitae indicates that this missense variant is not expected to disrupt GJA5 protein function. In summary, the available evidence is currently insufficient to determine the role of this variant in disease. Therefore, it has been classified as a Variant of Uncertain Significance.

NM_181703.4(GJA5):c.415G>A (p.Gly139Arg)

Gene: GJA5 (gap junction protein alpha 5; minus strand). Cytogenetic location: 1q21.2.
Variant type: single nucleotide variant.
Coding change: c.415G>A on transcript NM_181703.4 (MANE Select); coding-DNA position 415, G replaced by A.
Protein change: p.Gly139Arg; replaces glycine 139 with arginine.
Molecular consequence: missense variant.
Genome position (GRCh38, 1-based): chr1:147,758,824, C>T on the plus strand (G>A on the coding strand, the complement: GJA5 is on the minus strand). VCF-style: chr1-147758824-C-T. GRCh37 (hg19) VCF-style: chr1-147230932-C-T.
Other names: c.415G>A, p.Gly139Arg (NM_005266.7); short protein forms G139R.
Identifiers: ClinVar variation 2052790 (VCV002052790.4), dbSNP rs782082372, ClinGen allele CA1065768.